The following is an entry in ClinVar:

ClinVar aggregate classification (germline): Uncertain significance (1 of 4 stars; one submission).

Conditions:
Hereditary nonpolyposis colorectal neoplasms. Identifiers: MedGen C0009405, MeSH D003123.

Submission:

Labcorp Genetics (formerly Invitae), Labcorp
Classification: Uncertain significance for Hereditary nonpolyposis colorectal neoplasms. Last evaluated: 2021-04-30. Review status: criteria provided, single submitter. Criteria: Invitae Variant Classification Sherloc (09022015). Collection method: clinical testing. Allele origin: germline.
Comment: In summary, the available evidence is currently insufficient to determine the role of this variant in disease. Therefore, it has been classified as a Variant of Uncertain Significance. Advanced modeling of protein sequence and biophysical properties (such as structural, functional, and spatial information, amino acid conservation, physicochemical variation, residue mobility, and thermodynamic stability) performed at Invitae indicates that this missense variant is not expected to disrupt MSH6 protein function. This variant has not been reported in the literature in individuals with MSH6-related conditions. This variant is not present in population databases (ExAC no frequency). This sequence change replaces arginine with lysine at codon 411 of the MSH6 protein (p.Arg411Lys). The arginine residue is highly conserved and there is a small physicochemical difference between arginine and lysine.

NM_000179.3(MSH6):c.1232G>A (p.Arg411Lys)

Gene: MSH6 (mutS homolog 6; plus strand). Cytogenetic location: 2p16.3.
Variant type: single nucleotide variant.
Coding change: c.1232G>A on transcript NM_000179.3 (MANE Select); coding-DNA position 1232, G replaced by A.
Protein change: p.Arg411Lys; replaces arginine 411 with lysine.
Molecular consequence: missense variant.
Genome position (GRCh38, 1-based): chr2:47,799,215, G>A. VCF-style: chr2-47799215-G-A. GRCh37 (hg19) VCF-style: chr2-48026354-G-A.
Other names: c.842G>A, p.Arg281Lys (NM_001281492.2); c.326G>A, p.Arg109Lys (NM_001281493.2, NM_001281494.2); short protein forms R411K, R109K, R281K.
Identifiers: ClinVar variation 1461495 (VCV001461495.8), dbSNP rs2104329857, ClinGen allele CA346743656.